The following is an entry in ClinVar:

ClinVar aggregate classification (germline): Conflicting classifications of pathogenicity. Review status: criteria provided, conflicting classifications (1 of 4 stars). 11 submissions from 11 submitters: Uncertain significance (2); Benign (5); Likely benign (4). Last evaluated 2026-03-01.

Conditions:
Hereditary cancer-predisposing syndrome. Also called: Tumor predisposition; Hereditary Cancer Syndrome; Neoplastic Syndromes, Hereditary; Hereditary neoplastic syndrome. Identifiers: Orphanet 140162, MedGen C0027672, MeSH D009386, MONDO:0015356.
Neurofibromatosis, type 2 (SWNV). Also called: BILATERAL ACOUSTIC NEUROFIBROMATOSIS; NF2-Related Schwannomatosis; SCHWANNOMATOSIS, VESTIBULAR. Identifiers: Orphanet 637, MedGen C0027832, MONDO:0007039, OMIM 101000. Disease mechanism: loss of function.

Allele frequency attached by ClinVar (database versions not stated): gnomAD exomes 0.00015 and 0.00040; 1000 Genomes Project 30x 0.00109; 1000 Genomes Project 0.00120; ExAC 0.00130; gnomAD 0.00161 and 0.00173; ESP Exome Variant Server 0.00170; TOPMed 0.00184.
gnomAD v4.1: 471 of 1,562,464 alleles (0.03%); highest among the groups gnomAD compares: African/African-American, 0.56%; 1 homozygote.

Submissions (11):

CeGaT Center for Human Genetics Tuebingen
Classification: Likely benign. Last evaluated: 2026-03-01. Review status: criteria provided, single submitter. Criteria: CeGaT Center For Human Genetics Tuebingen Variant Classification Criteria Version 2. Collection method: clinical testing. Allele origin: germline. Affected: yes. Observed: 2 variant alleles.
Comment: NF2: BP4, BS1

Labcorp Genetics (formerly Invitae), Labcorp
Classification: Benign for Neurofibromatosis, type 2. Last evaluated: 2026-02-03. Review status: criteria provided, single submitter. Criteria: Invitae Variant Classification Sherloc (09022015). Collection method: clinical testing. Allele origin: germline.

Blueprint Genetics
Classification: Likely benign. Last evaluated: 2024-06-24. Review status: criteria provided, single submitter. Criteria: ACMG Guidelines, 2015. Collection method: clinical testing. Allele origin: germline.

KCCC/NGS Laboratory, Kuwait Cancer Control Center
Classification: Benign for Neurofibromatosis, type 2. Last evaluated: 2023-07-07. Review status: criteria provided, single submitter. Criteria: ACMG Guidelines, 2015. Collection method: clinical testing. Allele origin: germline. Affected: yes.

Color Diagnostics, LLC DBA Color Health
Classification: Benign for Neurofibromatosis, type 2. Last evaluated: 2022-11-07. Review status: criteria provided, single submitter. Criteria: ACMG Guidelines, 2015. Collection method: clinical testing. Allele origin: germline.

Genome-Nilou Lab
Classification: Likely benign for Neurofibromatosis, type 2. Last evaluated: 2021-11-07. Review status: criteria provided, single submitter. Criteria: ACMG Guidelines, 2015. Collection method: clinical testing. Allele origin: germline. Affected: no.

Sema4
Classification: Benign for Hereditary cancer-predisposing syndrome. Last evaluated: 2021-06-16. Review status: criteria provided, single submitter. Criteria: Sema4 Curation Guidelines. Collection method: curation. Allele origin: germline.

GeneDx
Classification: Likely benign. Last evaluated: 2021-03-29. Review status: criteria provided, single submitter. Criteria: GeneDx Variant Classification Process June 2021. Collection method: clinical testing. Allele origin: germline. Affected: yes.

Women's Health and Genetics/Laboratory Corporation of America, LabCorp
Classification: Benign. Last evaluated: 2018-05-03. Review status: criteria provided, single submitter. Criteria: LabCorp Variant Classification Summary - May 2015. Collection method: clinical testing. Allele origin: germline.
Comment: Variant summary: NF2 c.1123-6C>T alters a non-conserved nucleotide located close to a canonical splice site and therefore could affect mRNA splicing, leading to a significantly altered protein sequence. 4/5 computational tools predict no significant impact on normal splicing. However, these predictions have yet to be confirmed by functional studies. The observed variant frequency within African control individuals in the gnomAD database is approximately 337.92 fold of the estimated maximal expected allele frequency for a pathogenic variant in NF2 causing Neurofibromatosis Type 2 phenotype (1.9e-05), strongly suggesting that the variant is a benign polymorphism found primarily in populations of African origin. To our knowledge, no occurrence of c.1123-6C>T in individuals affected with Neurofibromatosis Type 2 and no experimental evidence demonstrating its impact on protein function have been reported. Two clinical diagnostic laboratories have submitted clinical-significance assessments for this variant to ClinVar after 2014 without evidence for independent evaluation, and classified the variant as benign/likely benign. Another lab classified this variant as VUS, also without evidence for independent evaluation. Based on the evidence outlined above, the variant was classified as benign.

Eurofins Ntd Llc (ga)
Classification: Uncertain significance. Last evaluated: 2018-03-13. Review status: criteria provided, single submitter. Criteria: EGL ClinVar v180209 classification definitions. Collection method: clinical testing. Allele origin: germline. Observed: 1 variant allele, 1 heterozygote.

Ambry Genetics
Classification: Uncertain significance for Hereditary cancer-predisposing syndrome. Last evaluated: 2017-05-17. Review status: criteria provided, single submitter. Criteria: Ambry Variant Classification Scheme 2023. Collection method: clinical testing. Allele origin: germline.
Comment: The c.1123-6C>T intronic alteration consists of a C to T substitution 6 nucleotides before coding exon 12 in the NF2 gene. Based on insufficient or conflicting evidence, the clinical significance of this alteration remains unclear.

NM_000268.4(NF2):c.1123-6C>T

Gene: NF2 (NF2, moesin-ezrin-radixin like (MERLIN) tumor suppressor; plus strand). Cytogenetic location: 22q12.2.
Variant type: single nucleotide variant.
Coding change: c.1123-6C>T on transcript NM_000268.4 (MANE Select); 6 bases into the intron before coding-DNA position 1123, C replaced by T.
Molecular consequence: intron variant.
Genome position (GRCh38, 1-based): chr22:29,673,263, C>T. VCF-style: chr22-29673263-C-T. GRCh37 (hg19) VCF-style: chr22-30069252-C-T.
Other names: c.1123-6C>T (NM_016418.5, NM_181832.3, NM_181825.3); c.448-21489C>T (NM_181833.3); c.1000-6C>T (NM_181829.3); c.997-6C>T (NM_181828.3); c.874-6C>T (NM_181830.3, NM_181831.3).
Identifiers: ClinVar variation 237614 (VCV000237614.44), dbSNP rs147898623, ClinGen allele CA037015.